The following is an entry in ClinVar:

ClinVar aggregate classification (germline): Pathogenic. Review status: criteria provided, multiple submitters, no conflicts (2 of 4 stars). 7 submissions from 7 submitters: Pathogenic (6). 1 of the submissions does not count toward it. Last evaluated 2025-11-21.

Conditions:
Cardiovascular phenotype. Identifiers: MedGen CN230736.
Cardiomyopathy, dilated, with wooly hair, keratoderma, and tooth agenesis. Also called: Cardiomyopathy, dilated, with woolly hair, keratoderma, and tooth agenesis; Erythrokeratodermia-cardiomyopathy syndrome. Identifiers: Orphanet 476096, Orphanet 65282, MedGen C4014393, MONDO:0014355, OMIM 615821.
Keratosis palmoplantaris striata 2. Also called: STRIATE PALMOPLANTAR KERATODERMA II; KERATODERMA, PALMOPLANTAR, STRIATE FORM II; Keratosis palmoplantaris striata II. Identifiers: MedGen C1852127, MONDO:0013034, OMIM 612908.
Woolly hair-skin fragility syndrome (WHSF). Identifiers: Orphanet 293165, MedGen C1843292, MONDO:0957307, OMIM 620415.
Arrhythmogenic right ventricular dysplasia 8 (ARVD8). Also called: Arrhythmogenic Right Ventricular Dysplasia/Cardiomyopathy 8; ARRHYTHMOGENIC RIGHT VENTRICULAR DYSPLASIA, FAMILIAL, 8; ARRHYTHMOGENIC RIGHT VENTRICULAR CARDIOMYOPATHY 8. Identifiers: MedGen C1843896, MONDO:0011831, OMIM 607450.
Arrhythmogenic cardiomyopathy with wooly hair and keratoderma. Also called: Dilated cardiomyopathy with woolly hair and keratoderma; Carvajal syndrome; Arrhythmogenic cardiomyopathy with woolly hair and keratoderma; PALMOPLANTAR KERATODERMA WITH LEFT VENTRICULAR CARDIOMYOPATHY AND WOOLLY HAIR. Identifiers: Orphanet 65282, MedGen C1854063, MONDO:0011581, OMIM 605676.
Lethal acantholytic epidermolysis bullosa (EBLA). Identifiers: Orphanet 158687, MedGen C1864826, MONDO:0012323, OMIM 609638.

Submissions (7):

Labcorp Genetics (formerly Invitae), Labcorp
Classification: Pathogenic for Arrhythmogenic cardiomyopathy with wooly hair and keratoderma; Arrhythmogenic right ventricular dysplasia 8. Last evaluated: 2025-11-21. Review status: criteria provided, single submitter. Criteria: Invitae Variant Classification Sherloc (09022015). Collection method: clinical testing. Allele origin: germline.
Comment: This sequence change creates a premature translational stop signal (p.Leu2031Glyfs*29) in the DSP gene. While this is not anticipated to result in nonsense mediated decay, it is expected to disrupt the last 841 amino acid(s) of the DSP protein. This variant is not present in population databases (gnomAD no frequency). This premature translational stop signal has been observed in individuals with autosomal recessive Carvajal syndrome or lethal acantholytic epidermolysis bullosa (PMID: 16175511, 31073624). ClinVar contains an entry for this variant (Variation ID: 16844). This variant disrupts a region of the DSP protein in which other variant(s) (p.Gln2667*) have been determined to be pathogenic (PMID: 20400443, 27194543). This suggests that this is a clinically significant region of the protein, and that variants that disrupt it are likely to be disease-causing. For these reasons, this variant has been classified as Pathogenic.

GeneDx
Classification: Pathogenic. Last evaluated: 2024-09-05. Review status: criteria provided, single submitter. Criteria: GeneDx Variant Classification Process June 2021. Collection method: clinical testing. Allele origin: germline.
Comment: Frameshift variant predicted to result in protein truncation or nonsense mediated decay in a gene for which loss of function is a known mechanism of disease; Not observed at significant frequency in large population cohorts (gnomAD); This variant is associated with the following publications: (PMID: 34998950, 27194543, 31073624, 20400443, 16175511)

Ambry Genetics
Classification: Pathogenic for Cardiovascular phenotype. Last evaluated: 2024-02-09. Review status: criteria provided, single submitter. Criteria: Ambry Variant Classification Scheme 2023. Collection method: clinical testing. Allele origin: germline.
Comment: The c.6091_6092delTT pathogenic mutation, located in coding exon 24 of the DSP gene, results from a deletion of two nucleotides at nucleotide positions 6091 to 6092, causing a translational frameshift with a predicted alternate stop codon (p.L2031Gfs*29). This alteration occurs at the 3' terminus of theDSP gene, is not expected to trigger nonsense-mediated mRNA decay, and impacts the last 29% of the protein. However, premature stop codons are typically deleterious in nature and the impacted region is critical for protein function (Ambry internal data). Alterations in DSP that result in haploinsufficiency or protein truncation have been reported in patients with arrhythmogenic right ventricular cardiomyopathy (ARVC) and dilated cardiomyopathy (DCM) (Fressart V et al. Europace. 2010;12(6):861-8; Elliott P et al. Circ Cardiovasc Genet. 2010;3(4):314-22; Quarta G et al. Circulation. 2011;123(23):2701-9; Garcia-Pavia P et al. Heart. 2011;97(21):1744-52; Rasmussen TB et al. Clin Genet. 2013;84(1):20-30; Pugh TJ et al. Genet Med. 2014;16(8):601-8). Furthermore, this alteration has been reported in the compound heterozygous state in a neonate with lethal acantholytic epidermolysis bullosa (Jonkman MF et al. Am. J. Hum. Genet. 2005;77:653-60). This variant is considered to be rare based on population cohorts in the Genome Aggregation Database (gnomAD). Based on the supporting evidence, this alteration is interpreted as a disease-causing mutation.

All of Us Research Program, National Institutes of Health
Classification: Pathogenic for Arrhythmogenic cardiomyopathy with wooly hair and keratoderma. Last evaluated: 2024-02-08. Review status: criteria provided, single submitter. Criteria: ACMG Guidelines, 2015. Collection method: clinical testing. Allele origin: germline. Inheritance: Autosomal dominant inheritance. Observed: 1 variant allele, 1 heterozygote.
Comment: The c.6091_6092del (p.Leu2031Glyfs*29) variant of DSP is in the last exon (exon 24) of the gene and is predicted to alter the protein amino acid sequence beginning at position 2031, leading to a premature termination codon 29 amino acids downstream. This termination codon occurs within the last exon and is likely to escape nonsense mediated decay (NMD) and result in a truncated protein that misses >10% of the coding region. This variant has been observed in trans with another disease-causing variant in an individual diagnosed with Carvajal syndrome based on phenotypes including woolly hair, striate PPK, and left-dominant arrhythmogenic cardiomyopathy (PMID: 31073624). Also, this variant was found in combination with another truncating mutation in an individual with severe fragility of skin and mucous membranes (PMID: 16175511). In addition, multiple other C-terminal truncating variants downstream of the amino acid 2031 in the DSP gene, p.Arg2284*, p.Gln2667*, p.Gln2730Serfs*16, have been reported in individuals with ARVC/D or DCM (PMID: 20400443, 27194543, 27532257). This variant is absent in the general population (gnomAD). Therefore, the c.6091_6092del (p.Leu2031Glyfs*29) variant of DSP is classified as pathogenic.

This study involves interpretation of variants in research participants for the purpose of population health screening. Participant phenotype was not available at the time of variant classification. Additional details can be found in publication PMID: 35346344, PMCID: PMC8962531

Human Genome Sequencing Center Clinical Lab, Baylor College of Medicine
Classification: Pathogenic for Arrhythmogenic right ventricular dysplasia 8. Last evaluated: 2023-11-14. Review status: criteria provided, single submitter. Criteria: ACMG Guidelines, 2015. Collection method: clinical testing. Allele origin: unknown.
Comment: The c.6091_6092del (p.Leu2031Glyfs*29) variant of DSP is in the last exon (exon 24) of the gene and is predicted to alter the protein amino acid sequence beginning at position 2031, leading to a premature termination codon 29 amino acids downstream. This termination codon occurs within the last exon and is likely to escape nonsense mediated decay (NMD) and result in a truncated protein that misses >10% of the coding region. This variant has been observed in trans with another disease-causing variant in an individual diagnosed with Carvajal syndrome based on phenotypes including woolly hair, striate PPK, and left-dominant arrhythmogenic cardiomyopathy (PMID: 31073624). Also, this variant was found in combination with another truncating mutation in an individual with severe fragility of skin and mucous membranes (PMID: 16175511). In addition, multiple other C-terminal truncating variants downstream of the amino acid 2031 in the DSP gene, p.Arg2284*, p.Gln2667*, p.Gln2730Serfs*16, have been reported in individuals with ARVC/D or DCM (PMID: 20400443, 27194543, 27532257). This variant is absent in the general population (gnomAD). Therefore, the c.6091_6092del (p.Leu2031Glyfs*29) variant of DSP is classified as pathogenic.

Fulgent Genetics
Classification: Pathogenic for Arrhythmogenic cardiomyopathy with wooly hair and keratoderma; Arrhythmogenic right ventricular dysplasia 8; Lethal acantholytic epidermolysis bullosa; Keratosis palmoplantaris striata 2; Cardiomyopathy, dilated, with wooly hair, keratoderma, and tooth agenesis. Last evaluated: 2021-10-16. Review status: criteria provided, single submitter. Criteria: ACMG Guidelines, 2015. Collection method: clinical testing. Allele origin: unknown.

OMIM
Classification: Pathogenic for EPIDERMOLYSIS BULLOSA, LETHAL ACANTHOLYTIC. Last evaluated: 2005-10-01. Review status: no assertion criteria provided. Collection method: literature only. Allele origin: germline. Not counted in ClinVar's aggregate classification.

Literature cited by the submitters: PubMed 16175511 (cited by 4 submitters); PubMed 31073624 (cited by Labcorp Genetics (formerly Invitae), Labcorp and All of Us Research Program, National Institutes of Health); PubMed 20400443 (cited by Labcorp Genetics (formerly Invitae), Labcorp and All of Us Research Program, National Institutes of Health); PubMed 27194543 (cited by Labcorp Genetics (formerly Invitae), Labcorp and All of Us Research Program, National Institutes of Health); PubMed 27532257 (cited by All of Us Research Program, National Institutes of Health).

NM_004415.4(DSP):c.6091_6092del (p.Leu2031fs)

Gene: DSP (desmoplakin; plus strand). Cytogenetic location: 6p24.3.
Variant type: Deletion.
Coding change: c.6091_6092del on transcript NM_004415.4 (MANE Select); coding-DNA positions 6091 to 6092, 2 bases deleted (TT; older notation c.6091_6092delTT).
Protein change: p.Leu2031fs; shifts the reading frame from leucine 2031.
Molecular consequence: frameshift variant.
Genome position (GRCh38, 1-based): chr6:7,583,353-7,583,354, TT deleted; deleting any 2 consecutive bases within chr6:7,583,352-7,583,354 gives the same sequence; the c. name uses the placement nearest the transcript's 3' end. VCF-style (leftmost placement, unchanged base first): chr6-7583351-CTT-C. GRCh37 (hg19) VCF-style: chr6-7583584-CTT-C.
Other names: c.6091_6092del (LRG_423t1, NM_004415.2); c.4294_4295del, p.Leu1432fs (NM_001008844.3); c.4762_4763del, p.Leu1588fs (NM_001319034.2); short protein forms L1588fs, L1432fs, L2031fs.
Identifiers: ClinVar variation 16844 (VCV000016844.18), dbSNP rs397514040, ClinGen allele CA006713.